The following is an entry in ClinVar:

NM_001930.4(DHPS):c.580C>T (p.Gln194Ter)

Gene: DHPS (deoxyhypusine synthase; minus strand). Cytogenetic location: 19p13.13.
Variant type: single nucleotide variant.
Coding change: c.580C>T on transcript NM_001930.4 (MANE Select); coding-DNA position 580, C replaced by T.
Protein change: p.Gln194Ter; replaces glutamine 194 with a stop codon.
Molecular consequence: nonsense. On other transcripts: non-coding transcript variant (4).
Genome position (GRCh38, 1-based): chr19:12,679,634, G>A on the plus strand (C>T on the coding strand, the complement: DHPS is on the minus strand). VCF-style: chr19-12679634-G-A. GRCh37 (hg19) VCF-style: chr19-12790448-G-A.
Other names: c.454C>T, p.Gln152Ter (NM_001206974.2); c.580C>T, p.Gln194Ter (NM_001369691.1, NM_001369692.1, NM_013406.3); c.31C>T, p.Gln11Ter (NM_001369693.1); short protein forms Q11*, Q152*, Q194*.
Identifiers: ClinVar variation 4886415 (VCV004886415.2).
Genomic context (GRCh38, chr19:12,679,634, plus strand): 5'-CTCCCCTGACTCCCACTGAACTGGCCCCTCCAGGTTGCCCCAGCCCCACCTCTGTGTTCT[G>A]CTCCATCACCATCTGGTCCAGAATGGGCATCAGCCAGTCCTCAAACTTGCAGTAATTCTC-3'

ClinVar aggregate classification (germline): Likely pathogenic (1 of 4 stars; one submission).

Submission:

Dasa
Classification: Likely pathogenic. Last evaluated: 2025-04-14. Review status: criteria provided, single submitter. Criteria: DASA Assertion Criteria. Collection method: clinical testing. Allele origin: germline.
Comment: NM_001930.4(DHPS):c.580C>T (p.Gln194*) is a nonsense variant in DHPS predicted to introduce a premature termination codon and is predicted to result in an absent or altered protein product. Loss of function is an established disease mechanism for DHPS-associated disorders. Also, this variant is absent from population databases. Based on the currently available evidence, this variant is classified as likely pathogenic.